The following is an entry in ClinVar:

NM_001360.3(DHCR7):c.820_825del (p.Asn274_Val275del)

Gene: DHCR7 (7-dehydrocholesterol reductase; minus strand). Cytogenetic location: 11q13.4.
Variant type: Deletion.
Coding change: c.820_825del on transcript NM_001360.3 (MANE Select); coding-DNA positions 820 to 825, 6 bases deleted (AACGTC; older notation c.820_825delAACGTC).
Protein change: p.Asn274_Val275del.
Molecular consequence: inframe deletion.
Genome position (GRCh38, 1-based): chr11:71,438,885-71,438,890, GACGTT deleted on the plus strand (AACGTC on the coding strand, the reverse complement: DHCR7 is on the minus strand); deleting any 6 consecutive bases within chr11:71,438,885-71,438,893 gives the same sequence; the c. name uses the placement nearest the transcript's 3' end. VCF-style (leftmost placement, unchanged base first): chr11-71438884-GGACGTT-G. GRCh37 (hg19) VCF-style: chr11-71149930-GGACGTT-G.
Other names: c.820_825del, p.Asn274_Val275del (NM_001163817.2).
Identifiers: ClinVar variation 854087 (VCV000854087.10), dbSNP rs757697462, ClinGen allele CA6162448.

ClinVar aggregate classification (germline): Pathogenic/Likely pathogenic. Review status: criteria provided, multiple submitters, no conflicts (2 of 4 stars). 2 submissions from 2 submitters: Pathogenic (1); Likely pathogenic (1). Last evaluated 2023-12-17.

Conditions:
Smith-Lemli-Opitz syndrome (SLOS). Also called: LETHAL ACRODYSGENITAL SYNDROME; POLYDACTYLY, SEX REVERSAL, RENAL HYPOPLASIA, AND UNILOBAR LUNG; RSH SYNDROME; RUTLEDGE LETHAL MULTIPLE CONGENITAL ANOMALY SYNDROME; 7-Dehydrocholesterol reductase deficiency. Identifiers: Orphanet 818, MedGen C0175694, MONDO:0010035, OMIM 270400.

Submissions (2):

Labcorp Genetics (formerly Invitae), Labcorp
Classification: Pathogenic for Smith-Lemli-Opitz syndrome. Last evaluated: 2023-12-17. Review status: criteria provided, single submitter. Criteria: Invitae Variant Classification Sherloc (09022015). Collection method: clinical testing. Allele origin: germline.
Comment: This variant, c.820_825del, results in the deletion of 2 amino acid(s) of the DHCR7 protein (p.Asn274_Val275del), but otherwise preserves the integrity of the reading frame. This variant is present in population databases (rs757697462, gnomAD 0.01%). This variant has been observed in individual(s) with Smith-Lemli-Opitz syndrome (Invitae). In at least one individual the data is consistent with being in trans (on the opposite chromosome) from a pathogenic variant. ClinVar contains an entry for this variant (Variation ID: 854087). This variant disrupts a region of the DHCR7 protein in which other variant(s) (p.Asn274Lys) have been determined to be pathogenic (PMID: 12818773, 15952211, 15979035). This suggests that this is a clinically significant region of the protein, and that variants that disrupt it are likely to be disease-causing. For these reasons, this variant has been classified as Pathogenic.

Juno Genomics, Hangzhou Juno Genomics, Inc
Classification: Likely pathogenic for Smith-Lemli-Opitz syndrome. Review status: criteria provided, single submitter. Criteria: ACMG Guidelines, 2015. Collection method: clinical testing. Allele origin: germline.
Comment: Absent from controls (or at extremely low frequency if recessive) in Genome Aggregation Database.;Protein length changes due to in-frame deletions/insertions in a non-repeat region or stop-loss variants.;Co-segregation with disease in multiple affected family members.;For recessive disorders, detected in trans with a pathogenic variant.

Literature cited by the submitters: PubMed 12818773 (cited by Labcorp Genetics (formerly Invitae), Labcorp); PubMed 15952211 (cited by Labcorp Genetics (formerly Invitae), Labcorp); PubMed 15979035 (cited by Labcorp Genetics (formerly Invitae), Labcorp).